The following is an entry in ClinVar:

ClinVar aggregate classification (germline): Benign/Likely benign. Review status: criteria provided, multiple submitters, no conflicts (2 of 4 stars). 6 submissions from 2 submitters: Benign (1); Likely benign (5). Last evaluated 2021-07-10.

Conditions:
Beare-Stevenson cutis gyrata syndrome (BSTVS). Identifiers: Orphanet 1555, MedGen C1852406, MONDO:0007412, OMIM 123790.
FGFR2-related craniosynostosis. Identifiers: MedGen CN231480.
Isolated Coronal Synostosis. Identifiers: MedGen CN043619.
Craniosynostosis syndrome. Also called: Craniosynostosis. Identifiers: Orphanet 1531, MedGen C0010278, MeSH D003398, MONDO:0015469, HP:0001363.
Crouzon syndrome. Also called: CRANIOFACIAL DYSOSTOSIS, TYPE I; Craniofacial dysostosis; Craniofacial dysostosis type 1; Crouzon craniofacial dysostosis; Crouzon disease. Identifiers: Orphanet 207, MedGen C0010273, MeSH D003394, MONDO:0007405, OMIM 123500, HP:0004439.
Saethre-Chotzen syndrome (SCS). Also called: ACROCEPHALY, SKULL ASYMMETRY, AND MILD SYNDACTYLY; ACS III; CHOTZEN SYNDROME. Identifiers: Orphanet 794, MedGen C0175699, MONDO:0007042, OMIM 101400.

Allele frequency attached by ClinVar (database versions not stated): gnomAD 0.00002 and 0.00003; gnomAD exomes 0.00002 and 0.00008; TOPMed 0.00002; ExAC 0.00006; 1000 Genomes Project 30x 0.00016; 1000 Genomes Project 0.00020.
gnomAD v4.1: 42 of 1,614,196 alleles (0.0026%); highest among the groups gnomAD compares: East Asian, 0.049%; no homozygotes.

Submissions (6):

Labcorp Genetics (formerly Invitae), Labcorp
Classification: Benign for FGFR2-related craniosynostosis. Last evaluated: 2021-07-10. Review status: criteria provided, single submitter. Criteria: Invitae Variant Classification Sherloc (09022015). Collection method: clinical testing. Allele origin: germline.

Illumina Laboratory Services, Illumina
Classification: Likely benign for Beare-Stevenson cutis gyrata syndrome. Last evaluated: 2017-04-27. Review status: criteria provided, single submitter. Criteria: ICSL Variant Classification Criteria 13 December 2019. Collection method: clinical testing. Allele origin: germline.
Comment: This variant was observed as part of a predisposition screen in an ostensibly healthy population. A literature search was performed for the gene, cDNA change, and amino acid change (where applicable). No publications were found based on this search. Allele frequency data from public databases allowed determination this variant is unlikely to cause disease. Therefore, this variant is classified as likely benign.

Illumina Laboratory Services, Illumina
Classification: Likely benign for Saethre-Chotzen syndrome. Last evaluated: 2017-04-27. Review status: criteria provided, single submitter. Criteria: ICSL Variant Classification Criteria 13 December 2019. Collection method: clinical testing. Allele origin: germline.
Comment: the same text as in the submission from Illumina Laboratory Services, Illumina above.

Illumina Laboratory Services, Illumina
Classification: Likely benign for Crouzon syndrome. Last evaluated: 2017-04-27. Review status: criteria provided, single submitter. Criteria: ICSL Variant Classification Criteria 13 December 2019. Collection method: clinical testing. Allele origin: germline.
Comment: the same text as in the submission from Illumina Laboratory Services, Illumina above.

Illumina Laboratory Services, Illumina
Classification: Likely benign for Craniosynostosis. Last evaluated: 2017-04-27. Review status: criteria provided, single submitter. Criteria: ICSL Variant Classification Criteria 13 December 2019. Collection method: clinical testing. Allele origin: germline.
Comment: the same text as in the submission from Illumina Laboratory Services, Illumina above.

Illumina Laboratory Services, Illumina
Classification: Likely benign for Isolated coronal synostosis. Last evaluated: 2017-04-27. Review status: criteria provided, single submitter. Criteria: ICSL Variant Classification Criteria 13 December 2019. Collection method: clinical testing. Allele origin: germline.
Comment: the same text as in the submission from Illumina Laboratory Services, Illumina above.

NM_000141.5(FGFR2):c.879C>T (p.His293=)

Gene: FGFR2 (fibroblast growth factor receptor 2; minus strand). Cytogenetic location: 10q26.13.
Variant type: single nucleotide variant.
Coding change: c.879C>T on transcript NM_000141.5 (MANE Select); coding-DNA position 879, C replaced by T.
Protein change: p.His293=; no amino-acid change (histidine 293 retained).
Molecular consequence: synonymous variant. On other transcripts: non-coding transcript variant (1), intron variant (1).
Genome position (GRCh38, 1-based): chr10:121,520,039, G>A on the plus strand (C>T on the coding strand, the complement: FGFR2 is on the minus strand). VCF-style: chr10-121520039-G-A. GRCh37 (hg19) VCF-style: chr10-123279553-G-A.
Other names: c.879C>T, p.His293= (NM_001144913.1, NM_001144917.2, NM_001320658.2 and 1 more transcripts); c.612C>T, p.His204= (NM_001144915.2, NM_001144919.2, NM_023029.3); c.534C>T, p.His178= (NM_001144916.2, NM_001144918.2); c.195C>T, p.His65= (NM_001320654.2); c.749-4720C>T (NM_001144914.1).
Identifiers: ClinVar variation 299006 (VCV000299006.12), dbSNP rs55745510, ClinGen allele CA5720981.